The following is an entry in ClinVar:

ClinVar aggregate classification (germline): Pathogenic (1 of 4 stars; one submission).

Conditions:
Beckwith-Wiedemann syndrome (BWS). Also called: EMG SYNDROME; Exomphalos macroglossia gigantism syndrome. Identifiers: Orphanet 116, MedGen C0004903, MONDO:0007534, OMIM 130650.

Submission:

Labcorp Genetics (formerly Invitae), Labcorp
Classification: Pathogenic for Beckwith-Wiedemann syndrome. Last evaluated: 2017-11-07. Review status: criteria provided, single submitter. Criteria: Invitae Variant Classification Sherloc (09022015). Collection method: clinical testing. Allele origin: germline.
Comment: For these reasons, this variant has been classified as Pathogenic. Loss-of-function variants in CDKN1C are known to be pathogenic (PMID: 20503313). This variant has not been reported in the literature in individuals with CDKN1C-related disease. While this variant is not present in population databases, the frequency information is unreliable, as metrics indicate poor data quality at this position in the ExAC database. This sequence change creates a premature translational stop signal (p.Leu129Glyfs*7) in the CDKN1C gene. It is expected to result in an absent or disrupted protein product.

Literature cited by the submitters: PubMed 20503313.

NM_001122630.2(CDKN1C):c.351_358del (p.Leu118fs)

Gene: CDKN1C (cyclin dependent kinase inhibitor 1C; minus strand). Cytogenetic location: 11p15.4.
Variant type: Deletion.
Coding change: c.351_358del on transcript NM_001122630.2 (MANE Select); coding-DNA positions 351 to 358, 8 bases deleted (CCTCGAGG; older notation c.351_358delCCTCGAGG).
Protein change: p.Leu118fs; shifts the reading frame from leucine 118.
Molecular consequence: frameshift variant. On other transcripts: intron variant (1).
Genome position (GRCh38, 1-based): chr11:2,885,099-2,885,106, CCTCGAGG deleted on the plus strand (CCTCGAGG on the coding strand, the reverse complement: CDKN1C is on the minus strand); deleting any 8 consecutive bases within chr11:2,885,099-2,885,108 gives the same sequence; the c. name uses the placement nearest the transcript's 3' end. VCF-style (leftmost placement, unchanged base first): chr11-2885098-TCCTCGAGG-T. GRCh37 (hg19) VCF-style: chr11-2906328-TCCTCGAGG-T.
Other names: c.384_391del, p.Leu129fs (LRG_533t1, NM_000076.2, NM_001362474.2); c.351_358del, p.Leu118fs (NM_001122631.2); c.255+96_255+103del (NM_001362475.2); short protein forms L118fs, L129fs.
Identifiers: ClinVar variation 524690 (VCV000524690.6), dbSNP rs1554938087, ClinGen allele CA658797581.